The following is an entry in ClinVar:

ClinVar aggregate classification (germline): Uncertain significance (1 of 4 stars; one submission).

gnomAD v4.1: 1 of 1,552,660 alleles (0.000064%); highest among the groups gnomAD compares: Non-Finnish European, 0.000087%; no homozygotes.

Submission:

Ambry Genetics
Classification: Uncertain significance. Last evaluated: 2026-05-27. Review status: criteria provided, single submitter. Criteria: Ambry Variant Classification Scheme 2023. Collection method: clinical testing. Allele origin: germline.
Comment: The p.N24K variant (also known as c.72C>G), located in coding exon 1 of the SRP72 gene, results from a C to G substitution at nucleotide position 72. The asparagine at codon 24 is replaced by lysine, an amino acid with similar properties. This amino acid position is conserved. In addition, this alteration is predicted to be tolerated by in silico analysis. Based on the available evidence, the clinical significance of this variant remains unclear.

NM_006947.4(SRP72):c.72C>G (p.Asn24Lys)

Gene: SRP72 (signal recognition particle 72; plus strand). Cytogenetic location: 4q12.
Variant type: single nucleotide variant.
Coding change: c.72C>G on transcript NM_006947.4 (MANE Select); coding-DNA position 72, C replaced by G.
Protein change: p.Asn24Lys; replaces asparagine 24 with lysine.
Molecular consequence: missense variant. On other transcripts: non-coding transcript variant (1).
Genome position (GRCh38, 1-based): chr4:56,467,707, C>G. VCF-style: chr4-56467707-C-G. GRCh37 (hg19) VCF-style: chr4-57333873-C-G.
Other names: c.72C>G, p.Asn24Lys (NM_001267722.2); short protein forms N24K.
Identifiers: ClinVar variation 4865151 (VCV004865151.1).